The following is an entry in ClinVar:

NM_001128148.3(TFRC):c.1038T>C (p.Phe346=)

Gene: TFRC (transferrin receptor; minus strand). Cytogenetic location: 3q29.
Variant type: single nucleotide variant.
Coding change: c.1038T>C on transcript NM_001128148.3 (MANE Select); coding-DNA position 1038, T replaced by C.
Protein change: p.Phe346=; no amino-acid change (phenylalanine 346 retained).
Molecular consequence: synonymous variant.
Genome position (GRCh38, 1-based): chr3:196,067,520, A>G on the plus strand (T>C on the coding strand, the complement: TFRC is on the minus strand). VCF-style: chr3-196067520-A-G. GRCh37 (hg19) VCF-style: chr3-195794391-A-G.
Other names: c.795T>C, p.Phe265= (NM_001313965.2); c.192T>C, p.Phe64= (NM_001313966.2); c.1038T>C, p.Phe346= (NM_003234.4).
Identifiers: ClinVar variation 732503 (VCV000732503.42), dbSNP rs201264476, ClinGen allele CA2778104.
Genomic context (GRCh38, chr3:196,067,520, plus strand): 5'-CGTTCTTCCCTAATCATAAAACCTCACTATGCAAGACCGCTTTCAAATAAAAACTTACCC[A>G]AACAGCTTTTCTGCAGCAGCTCTGGAGATTGTCTGGACAGGTATATTAGGCAATCCTGAT-3'
Protein context (NP_001121620.1, residues 336-356): TISRAAAEKL[Phe346=]GNMEGDCPSD

ClinVar aggregate classification (germline): Likely benign. Review status: criteria provided, multiple submitters, no conflicts (2 of 4 stars). 5 submissions from 5 submitters: Likely benign (3). 2 of the submissions do not count toward it. Last evaluated 2026-01-24.

Allele frequency attached by ClinVar (database versions not stated): TOPMed 0.00030; ESP Exome Variant Server 0.00031.
gnomAD v4.1: 783 of 1,613,130 alleles (0.049%); highest among the groups gnomAD compares: Non-Finnish European, 0.063%; no homozygotes.

Submissions (5):

Labcorp Genetics (formerly Invitae), Labcorp
Classification: Likely benign. Last evaluated: 2026-01-24. Review status: criteria provided, single submitter. Criteria: Invitae Variant Classification Sherloc (09022015). Collection method: clinical testing. Allele origin: germline.

CeGaT Center for Human Genetics Tuebingen
Classification: Likely benign. Last evaluated: 2024-12-01. Review status: criteria provided, single submitter. Criteria: CeGaT Center For Human Genetics Tuebingen Variant Classification Criteria Version 2. Collection method: clinical testing. Allele origin: germline. Affected: yes. Observed: 2 variant alleles.
Comment: TFRC: BP4, BP7

Blueprint Genetics
Classification: Likely benign. Last evaluated: 2024-10-18. Review status: criteria provided, single submitter. Criteria: ACMG Guidelines, 2015. Collection method: clinical testing. Allele origin: germline.

Clinical Genetics DNA and cytogenetics Diagnostics Lab, Erasmus MC, Erasmus Medical Center
Classification: Likely benign. Review status: no assertion criteria provided. Collection method: clinical testing. Allele origin: germline. Affected: yes. Study: VKGL Data-share Consensus. Not counted in ClinVar's aggregate classification.

Genome Diagnostics Laboratory, University Medical Center Utrecht
Classification: Likely benign. Review status: no assertion criteria provided. Collection method: clinical testing. Allele origin: germline. Affected: yes. Study: VKGL Data-share Consensus. Not counted in ClinVar's aggregate classification.